The following is an entry in ClinVar:

NM_177438.3(DICER1):c.4475T>C (p.Met1492Thr)

Gene: DICER1 (dicer 1, ribonuclease III; minus strand). Cytogenetic location: 14q32.13.
Variant type: single nucleotide variant.
Coding change: c.4475T>C on transcript NM_177438.3 (MANE Select); coding-DNA position 4475, T replaced by C.
Protein change: p.Met1492Thr; replaces methionine 1492 with threonine.
Molecular consequence: missense variant.
Genome position (GRCh38, 1-based): chr14:95,096,445, A>G on the plus strand (T>C on the coding strand, the complement: DICER1 is on the minus strand). VCF-style: chr14-95096445-A-G. GRCh37 (hg19) VCF-style: chr14-95562782-A-G.
Other names: NM_177438.3(DICER1):c.4475T>C; p.Met1492Thr; c.4475T>C, p.Met1492Thr (NM_001195573.1, NM_001271282.3, NM_001291628.2 and 1 more transcripts); short protein forms M1492T.
Identifiers: ClinVar variation 483407 (VCV000483407.23), dbSNP rs370947079, ClinGen allele CA7330841.

ClinVar aggregate classification (germline): Likely benign. Review status: reviewed by expert panel (3 of 4 stars). 8 submissions from 8 submitters: Likely benign (1). 7 of the submissions do not count toward it. Last evaluated 2026-06-23.

Conditions:
DICER1-related disorder. Also called: DICER1-related condition.
Rhabdomyosarcoma, embryonal, 2 (RMSE2). Identifiers: MedGen C1867234, MONDO:0859046, OMIM 180295.
Euthyroid goiter (MNG1). Also called: GOITER, NONTOXIC, WITH INTRATHYROIDAL CALCIFICATION; Goiter, multinodular 1, with or without Sertoli-Leydig cell tumors; SIMPLE GOITER; MULTINODULAR GOITER, ADOLESCENT. Identifiers: Orphanet 276399, MedGen C0302859, MONDO:0007681, OMIM 138800, HP:0009798.
DICER1-related tumor predisposition. Also called: DICER1 syndrome; DICER1-related pleuropulmonary blastoma cancer predisposition syndrome. Identifiers: Orphanet 284343, MedGen C3839822, MONDO:0100216.
Global developmental delay - lung cysts - overgrowth - Wilms tumor syndrome. Also called: GLOBAL DEVELOPMENTAL DELAY, LUNG CYSTS, OVERGROWTH, AND WILMS TUMOR; GLOW Syndrome. Identifiers: Orphanet 404476, MedGen C4748924, MONDO:0018445, OMIM 618272.
Hereditary cancer-predisposing syndrome. Also called: Neoplastic Syndromes, Hereditary; Hereditary Cancer Syndrome; Tumor predisposition; Hereditary neoplastic syndrome. Identifiers: Orphanet 140162, MedGen C0027672, MeSH D009386, MONDO:0015356.

Allele frequency attached by ClinVar (database versions not stated): gnomAD exomes below 0.00001 and 0.00001; ExAC 0.00002; gnomAD 0.00002; TOPMed 0.00002; ESP Exome Variant Server 0.00023.

Submissions (8):

ClinGen DICER1 and miRNA-Processing Gene Variant Curation Expert Panel, ClinGen
Classification: Likely benign for DICER1-related tumor predisposition. Last evaluated: 2026-06-23. Review status: reviewed by expert panel. Criteria: ClinGen DICER1 ACMG Specifications DICER1 V1.4.0. Collection method: curation. Allele origin: germline. Inheritance: Autosomal dominant inheritance.
Comment: The NM_177438.3:c.4475T>C variant in DICER1 is a missense variant predicted to replace methionine with threonine at codon 1492 (p.Met1492Thr). Although this variant has been observed in individuals undergoing genetic sequencing, to our knowledge, this variant has not been reported in individuals with DICER1-related tumor predisposition (PS4 not met; Internal lab contributors). This variant has been seen in 10 or more unrelated females without tumors through age 50 in at least one testing laboratory (BS2_Supporting; Internal lab contributors). The total allele frequency in gnomAD v4.1.1 is 0.000002478 (4/1614146 alleles) with highest population minor allele frequencies of 0.00001334 (1/74954alleles) and 0.000002542 (3/1180050) in the African American and European (non-Finnish) populations, respectively (PM2_Supporting, BS1, and BA1 are not met). In silico tools predict no damaging impact of the variant on protein function (REVEL: 0.049; MaxEntScan and SpliceAI: no effect on splicing) (BP4). In summary, this variant meets the criteria to be classified as Likely Benign for DICER1-related tumor predisposition based on the ACMG/AMP criteria applied, as specified by the ClinGen DICER1 VCEP: BS2_Supporting, BP4. (Bayesian Points: -2; VCEP specifications version 1.4.0; 06/23/2026)

PreventionGenetics, part of Exact Sciences
Classification: Uncertain significance for DICER1-related condition. Last evaluated: 2026-06-05. Review status: criteria provided, single submitter. Criteria: ACMG Guidelines, 2015. Collection method: clinical testing. Allele origin: germline. Not counted in ClinVar's aggregate classification.
Comment: The DICER1 c.4475T>C variant is predicted to result in the amino acid substitution p.Met1492Thr. To our knowledge, this variant has not been reported in the literature. This variant is reported in 3 of ~283,000 alleles in gnomAD and has conflicting interpretations in ClinVar ranging from uncertain to likely benign (Variation ID: 483407). At this time, the clinical significance of this variant is uncertain due to the absence of conclusive functional and genetic evidence.

Labcorp Genetics (formerly Invitae), Labcorp
Classification: Uncertain significance for DICER1-related tumor predisposition. Last evaluated: 2026-01-19. Review status: criteria provided, single submitter. Criteria: Invitae Variant Classification Sherloc (09022015). Collection method: clinical testing. Allele origin: germline. Not counted in ClinVar's aggregate classification.
Comment: This sequence change replaces methionine, which is neutral and non-polar, with threonine, which is neutral and polar, at codon 1492 of the DICER1 protein (p.Met1492Thr). This variant is present in population databases (rs370947079, gnomAD 0.008%). This variant has not been reported in the literature in individuals affected with DICER1-related conditions. ClinVar contains an entry for this variant (Variation ID: 483407). Invitae Evidence Modeling of protein sequence and biophysical properties (such as structural, functional, and spatial information, amino acid conservation, physicochemical variation, residue mobility, and thermodynamic stability) indicates that this missense variant is not expected to disrupt DICER1 protein function with a negative predictive value of 95%. In summary, the available evidence is currently insufficient to determine the role of this variant in disease. Therefore, it has been classified as a Variant of Uncertain Significance.

Ambry Genetics
Classification: Uncertain significance for Hereditary cancer-predisposing syndrome. Last evaluated: 2024-10-10. Review status: criteria provided, single submitter. Criteria: Ambry Variant Classification Scheme 2023. Collection method: clinical testing. Allele origin: germline. Not counted in ClinVar's aggregate classification.
Comment: The p.M1492T variant (also known as c.4475T>C), located in coding exon 22 of the DICER1 gene, results from a T to C substitution at nucleotide position 4475. The methionine at codon 1492 is replaced by threonine, an amino acid with similar properties. This amino acid position is poorly conserved in available vertebrate species. In addition, this alteration is predicted to be tolerated by in silico analysis. Based on the available evidence, the clinical significance of this variant remains unclear.

Baylor Genetics
Classification: Uncertain significance for Global developmental delay - lung cysts - overgrowth - Wilms tumor syndrome. Last evaluated: 2024-03-27. Review status: criteria provided, single submitter. Criteria: ACMG Guidelines, 2015. Collection method: clinical testing. Allele origin: unknown. Not counted in ClinVar's aggregate classification.

GeneDx
Classification: Uncertain significance. Last evaluated: 2024-02-05. Review status: criteria provided, single submitter. Criteria: GeneDx Variant Classification Process June 2021. Collection method: clinical testing. Allele origin: germline. Affected: yes. Not counted in ClinVar's aggregate classification.
Comment: Not observed at significant frequency in large population cohorts (gnomAD); In silico analysis supports that this missense variant does not alter protein structure/function; Has not been previously published as pathogenic or benign to our knowledge

Sema4
Classification: Uncertain significance for Hereditary cancer-predisposing syndrome. Last evaluated: 2021-12-05. Review status: criteria provided, single submitter. Criteria: Sema4 Curation Guidelines. Collection method: curation. Allele origin: germline. Not counted in ClinVar's aggregate classification.
Comment: The DICER1 c.4475T>C (p.M1492T) variant has not been reported in individuals with DICER1-related disease. It was observed in 2/24974 chromosomes of the African/African American subpopulation in the large and broad cohorts of the Genome Aggregation Database (PMID: 32461654). This variant has been reported in ClinVar (Variation ID: 483407). In silico tools suggest the impact of the variant on protein function is benign, though these predictions have not been confirmed by functional studies. The evidence is insufficient to meet ACMG/AMP criteria for classifying the variant as benign or pathogenic. Thus, the clinical significance of this variant is currently uncertain.

Fulgent Genetics
Classification: Uncertain significance for Euthyroid goiter; Rhabdomyosarcoma, embryonal, 2; Pleuropulmonary blastoma. Last evaluated: 2018-10-31. Review status: criteria provided, single submitter. Criteria: ACMG Guidelines, 2015. Collection method: clinical testing. Allele origin: unknown. Not counted in ClinVar's aggregate classification.